The following is an entry in ClinVar:

NM_002471.4(MYH6):c.1486G>C (p.Val496Leu)

Gene: MYH6 (myosin heavy chain 6; minus strand). Cytogenetic location: 14q11.2.
Variant type: single nucleotide variant.
Coding change: c.1486G>C on transcript NM_002471.4 (MANE Select); coding-DNA position 1486, G replaced by C.
Protein change: p.Val496Leu; replaces valine 496 with leucine.
Molecular consequence: missense variant.
Genome position (GRCh38, 1-based): chr14:23,400,351, C>G on the plus strand (G>C on the coding strand, the complement: MYH6 is on the minus strand). VCF-style: chr14-23400351-C-G. GRCh37 (hg19) VCF-style: chr14-23869560-C-G.
Other names: short protein forms V496L.
Identifiers: ClinVar variation 1047267 (VCV001047267.11), dbSNP rs761085263, ClinGen allele CA7115797.

ClinVar aggregate classification (germline): Uncertain significance. Review status: criteria provided, multiple submitters, no conflicts (2 of 4 stars). 2 submissions from 2 submitters: Uncertain significance (2). Last evaluated 2024-11-16.

Conditions:
Cardiovascular phenotype. Identifiers: MedGen CN230736.
Hypertrophic cardiomyopathy 14. Identifiers: MedGen C2750467, MONDO:0013197, OMIM 613251.

gnomAD v4.1: 19 of 1,614,164 alleles (0.0012%); highest among the groups gnomAD compares: Non-Finnish European, 0.0016%; no homozygotes.

Submissions (2):

Labcorp Genetics (formerly Invitae), Labcorp
Classification: Uncertain significance for Hypertrophic cardiomyopathy 14. Last evaluated: 2024-11-16. Review status: criteria provided, single submitter. Criteria: Invitae Variant Classification Sherloc (09022015). Collection method: clinical testing. Allele origin: germline.
Comment: This sequence change replaces valine, which is neutral and non-polar, with leucine, which is neutral and non-polar, at codon 496 of the MYH6 protein (p.Val496Leu). This variant is present in population databases (rs761085263, gnomAD 0.002%). This variant has not been reported in the literature in individuals affected with MYH6-related conditions. ClinVar contains an entry for this variant (Variation ID: 1047267). Invitae Evidence Modeling of protein sequence and biophysical properties (such as structural, functional, and spatial information, amino acid conservation, physicochemical variation, residue mobility, and thermodynamic stability) indicates that this missense variant is expected to disrupt MYH6 protein function with a positive predictive value of 80%. In summary, the available evidence is currently insufficient to determine the role of this variant in disease. Therefore, it has been classified as a Variant of Uncertain Significance.

Ambry Genetics
Classification: Uncertain significance for Cardiovascular phenotype. Last evaluated: 2023-09-10. Review status: criteria provided, single submitter. Criteria: Ambry Variant Classification Scheme 2023. Collection method: clinical testing. Allele origin: germline.
Comment: The p.V496L variant (also known as c.1486G>C), located in coding exon 12 of the MYH6 gene, results from a G to C substitution at nucleotide position 1486. The valine at codon 496 is replaced by leucine, an amino acid with highly similar properties. This amino acid position is highly conserved in available vertebrate species. In addition, the in silico prediction for this alteration is inconclusive. Since supporting evidence is limited at this time, the clinical significance of this alteration remains unclear.